The following is an entry in ClinVar:

ClinVar aggregate classification (germline): Uncertain significance. Review status: criteria provided, multiple submitters, no conflicts (2 of 4 stars). 2 submissions from 2 submitters: Uncertain significance (2). Last evaluated 2025-09-11.

Allele frequency attached by ClinVar (database versions not stated): TOPMed below 0.00001; gnomAD 0.00001; gnomAD exomes 0.00001; ExAC 0.00002.

Submissions (2):

Ambry Genetics
Classification: Uncertain significance. Last evaluated: 2025-09-11. Review status: criteria provided, single submitter. Criteria: Ambry Variant Classification Scheme 2023. Collection method: clinical testing. Allele origin: germline.

Labcorp Genetics (formerly Invitae), Labcorp
Classification: Uncertain significance. Last evaluated: 2023-12-01. Review status: criteria provided, single submitter. Criteria: Invitae Variant Classification Sherloc (09022015). Collection method: clinical testing. Allele origin: germline.
Comment: This sequence change replaces valine, which is neutral and non-polar, with methionine, which is neutral and non-polar, at codon 466 of the CARD8 protein (p.Val466Met). This variant is present in population databases (rs754800916, gnomAD 0.006%). This variant has not been reported in the literature in individuals affected with CARD8-related conditions. An algorithm developed to predict the effect of missense changes on protein structure and function (PolyPhen-2) suggests that this variant is likely to be tolerated. In summary, the available evidence is currently insufficient to determine the role of this variant in disease. Therefore, it has been classified as a Variant of Uncertain Significance.

NM_001184900.3(CARD8):c.1546G>A (p.Val516Met)

Gene: CARD8 (caspase recruitment domain family member 8; minus strand). Cytogenetic location: 19q13.33.
Variant type: single nucleotide variant.
Coding change: c.1546G>A on transcript NM_001184900.3 (MANE Select); coding-DNA position 1546, G replaced by A.
Protein change: p.Val516Met; replaces valine 516 with methionine.
Molecular consequence: missense variant. On other transcripts: 3 prime UTR variant (7), non-coding transcript variant (3), intron variant (1).
Genome position (GRCh38, 1-based): chr19:48,211,778, C>T on the plus strand (G>A on the coding strand, the complement: CARD8 is on the minus strand). VCF-style: chr19-48211778-C-T. GRCh37 (hg19) VCF-style: chr19-48715035-C-T.
Other names: c.*225G>A (NM_001351792.2, NM_001184902.2, NM_001184903.1 and 4 more transcripts); c.1228G>A, p.Val410Met (NM_001365950.1); c.721G>A, p.Val241Met (NM_001426741.1); c.1396G>A, p.Val466Met (NM_014959.5, NM_001351783.2, NM_001184901.1); c.1033+3562G>A (NM_001351787.2); c.1546G>A, p.Val516Met (NM_001351782.2); c.1231G>A, p.Val411Met (NM_001351784.2); c.1210G>A, p.Val404Met (NM_001351786.2); and 1 more; short protein forms V466M, V241M, V404M, V516M, V410M, V411M.
Identifiers: ClinVar variation 3000905 (VCV003000905.4), dbSNP rs754800916, ClinGen allele CA9547670.